The following is an entry in ClinVar:

ClinVar aggregate classification (germline): Uncertain significance (1 of 4 stars; one submission).

Conditions:
DICER1-related tumor predisposition. Also called: DICER1-related pleuropulmonary blastoma cancer predisposition syndrome; DICER1 syndrome. Identifiers: Orphanet 284343, MedGen C3839822, MONDO:0100216.

Submission:

Labcorp Genetics (formerly Invitae), Labcorp
Classification: Uncertain significance for DICER1-related tumor predisposition. Last evaluated: 2020-02-21. Review status: criteria provided, single submitter. Criteria: Invitae Variant Classification Sherloc (09022015). Collection method: clinical testing. Allele origin: germline.
Comment: This sequence change replaces proline with serine at codon 794 of the DICER1 protein (p.Pro794Ser). The proline residue is highly conserved and there is a moderate physicochemical difference between proline and serine. This variant is not present in population databases (ExAC no frequency) and has not been reported in the literature in individuals with a DICER1-related disease. Algorithms developed to predict the effect of missense changes on protein structure and function do not agree on the potential impact of this missense change (SIFT: "Tolerated"; PolyPhen-2: "Probably Damaging"; Align-GVGD: "Class C0"). In summary, this variant is a novel missense change with uncertain impact on protein function. It has been classified as a Variant of Uncertain Significance.

NM_177438.3(DICER1):c.2380C>T (p.Pro794Ser)

Gene: DICER1 (dicer 1, ribonuclease III; minus strand). Cytogenetic location: 14q32.13.
Variant type: single nucleotide variant.
Coding change: c.2380C>T on transcript NM_177438.3 (MANE Select); coding-DNA position 2380, C replaced by T.
Protein change: p.Pro794Ser; replaces proline 794 with serine.
Molecular consequence: missense variant.
Genome position (GRCh38, 1-based): chr14:95,108,380, G>A on the plus strand (C>T on the coding strand, the complement: DICER1 is on the minus strand). VCF-style: chr14-95108380-G-A. GRCh37 (hg19) VCF-style: chr14-95574717-G-A.
Other names: c.2380C>T, p.Pro794Ser (NM_001195573.1, NM_001271282.3, NM_001291628.2 and 1 more transcripts); short protein forms P794S.
Identifiers: ClinVar variation 412108 (VCV000412108.10), dbSNP rs1060503620, ClinGen allele CA16614366.